The following is an entry in ClinVar:

ClinVar aggregate classification (germline): Uncertain significance (1 of 4 stars; one submission).

Submission:

Labcorp Genetics (formerly Invitae), Labcorp
Classification: Uncertain significance. Last evaluated: 2021-10-16. Review status: criteria provided, single submitter. Criteria: Invitae Variant Classification Sherloc (09022015). Collection method: clinical testing. Allele origin: germline.
Comment: Algorithms developed to predict the effect of missense changes on protein structure and function are either unavailable or do not agree on the potential impact of this missense change (SIFT: "Tolerated"; PolyPhen-2: "Probably Damaging"; Align-GVGD: "Class C0"). This variant has not been reported in the literature in individuals affected with CDH2-related conditions. This variant is not present in population databases (ExAC no frequency). This sequence change replaces alanine with proline at codon 577 of the CDH2 protein (p.Ala577Pro). The alanine residue is highly conserved and there is a small physicochemical difference between alanine and proline. In summary, the available evidence is currently insufficient to determine the role of this variant in disease. Therefore, it has been classified as a Variant of Uncertain Significance.

NM_001792.5(CDH2):c.1729G>C (p.Ala577Pro)

Gene: CDH2 (cadherin 2; minus strand). Cytogenetic location: 18q12.1.
Variant type: single nucleotide variant.
Coding change: c.1729G>C on transcript NM_001792.5 (MANE Select); coding-DNA position 1729, G replaced by C.
Protein change: p.Ala577Pro; replaces alanine 577 with proline.
Molecular consequence: missense variant.
Genome position (GRCh38, 1-based): chr18:27,988,536, C>G on the plus strand (G>C on the coding strand, the complement: CDH2 is on the minus strand). VCF-style: chr18-27988536-C-G. GRCh37 (hg19) VCF-style: chr18-25568500-C-G.
Other names: c.1636G>C, p.Ala546Pro (NM_001308176.2); short protein forms A577P, A546P.
Identifiers: ClinVar variation 1374102 (VCV001374102.6), dbSNP rs1395482543, ClinGen allele CA402107756.
Genomic context (GRCh38, chr18:27,988,536, plus strand): 5'-AGGATCTACTGTCTTTCATCAACATACAAGAAAAAACAGCGAACATACCATTGTCAGAAG[C>G]AAGGAAAGTAGCATTATATATATTGTTTTTCACATTTGGTGATTCTCGGTCCAAAACAGC-3'
Protein context (NP_001783.2, residues 567-587): KNNIYNATFL[Ala577Pro]SDNGIPPMSG